The following is an entry in ClinVar:

NM_000264.5(PTCH1):c.3428_3429del (p.Gly1142_Ser1143insTer)

Gene: PTCH1 (patched 1; minus strand). Cytogenetic location: 9q22.32.
Variant type: Deletion.
Coding change: c.3428_3429del on transcript NM_000264.5 (MANE Select); coding-DNA positions 3428 to 3429, 2 bases deleted (CT; older notation c.3428_3429delCT).
Protein change: p.Gly1142_Ser1143insTer.
Molecular consequence: nonsense. On other transcripts: non-coding transcript variant (1).
Genome position (GRCh38, 1-based): chr9:95,453,498-95,453,499, AG deleted on the plus strand (CT on the coding strand, the reverse complement: PTCH1 is on the minus strand); deleting any 2 consecutive bases within chr9:95,453,498-95,453,500 gives the same sequence; the c. name uses the placement nearest the transcript's 3' end. VCF-style (leftmost placement, unchanged base first): chr9-95453497-CAG-C. GRCh37 (hg19) VCF-style: chr9-98215779-CAG-C.
Other names: c.3230_3231del, p.Gly1076_Ser1077insTer (NM_001083602.3); c.3425_3426del, p.Gly1141_Ser1142insTer (NM_001083603.3); c.2975_2976del, p.Gly991_Ser992insTer (NM_001083604.3, NM_001083605.3, NM_001083606.3 and 1 more transcripts); c.3272_3273del, p.Gly1090_Ser1091insTer (NM_001354918.2).
Identifiers: ClinVar variation 453851 (VCV000453851.7), dbSNP rs1554690411, ClinGen allele CA658657882.

ClinVar aggregate classification (germline): Pathogenic (1 of 4 stars; one submission).

Conditions:
Gorlin syndrome. Also called: Basal cell nevus syndrome; Nevoid Basal Cell Carcinoma Syndrome. Identifiers: Orphanet 377, MedGen C0004779, MONDO:0007187.

Submission:

Labcorp Genetics (formerly Invitae), Labcorp
Classification: Pathogenic for Gorlin syndrome. Last evaluated: 2017-06-21. Review status: criteria provided, single submitter. Criteria: Invitae Variant Classification Sherloc (09022015). Collection method: clinical testing. Allele origin: germline.
Comment: Loss-of-function variants in PTCH1 are known to be pathogenic (PMID: 16301862, 16419085). This variant has not been reported in the literature in individuals with PTCH1-related disease. This variant is not present in population databases (ExAC no frequency). This sequence change creates a premature translational stop signal (p.Ser1143*) in the PTCH1 gene. It is expected to result in an absent or disrupted protein product. For these reasons, this variant has been classified as Pathogenic.

Literature cited by the submitters: PubMed 16301862; PubMed 16419085.